The following is an entry in ClinVar:

NM_001145809.2(MYH14):c.5534G>A (p.Arg1845Gln)

Gene: MYH14 (myosin heavy chain 14; plus strand). Cytogenetic location: 19q13.33.
Variant type: single nucleotide variant.
Coding change: c.5534G>A on transcript NM_001145809.2 (MANE Select); coding-DNA position 5534, G replaced by A.
Protein change: p.Arg1845Gln; replaces arginine 1845 with glutamine.
Molecular consequence: missense variant.
Genome position (GRCh38, 1-based): chr19:50,301,725, G>A. VCF-style: chr19-50301725-G-A. GRCh37 (hg19) VCF-style: chr19-50804982-G-A.
Other names: p.Arg1804Gln; c.5435G>A, p.Arg1812Gln (NM_001077186.2); c.5411G>A, p.Arg1804Gln (NM_024729.4); short protein forms R1804Q, R1845Q, R1812Q.
Identifiers: ClinVar variation 892935 (VCV000892935.12), dbSNP rs201040702, ClinGen allele CA9593840.

ClinVar aggregate classification (germline): Uncertain significance. Review status: criteria provided, multiple submitters, no conflicts (2 of 4 stars). 6 submissions from 6 submitters: Uncertain significance (6). Last evaluated 2024-10-10.

Conditions:
Inborn genetic diseases. Identifiers: MedGen C0950123, MeSH D030342.
Autosomal dominant nonsyndromic hearing loss 4A. Also called: Deafness, autosomal dominant 4A. Identifiers: Orphanet 90635, MedGen C1833503, MONDO:0010915, OMIM 600652.

Allele frequency attached by ClinVar (database versions not stated): gnomAD 0.00001; ExAC 0.00002; TOPMed 0.00002; ESP Exome Variant Server 0.00008.
gnomAD v4.1: 100 of 1,613,826 alleles (0.0062%); highest among the groups gnomAD compares: Middle Eastern, 0.016%; no homozygotes.

Submissions (6):

GeneDx
Classification: Uncertain significance. Last evaluated: 2024-10-10. Review status: criteria provided, single submitter. Criteria: GeneDx Variant Classification Process June 2021. Collection method: clinical testing. Allele origin: germline. Affected: yes.
Comment: In silico analysis supports that this missense variant has a deleterious effect on protein structure/function; Has not been previously published as pathogenic or benign to our knowledge

Labcorp Genetics (formerly Invitae), Labcorp
Classification: Uncertain significance. Last evaluated: 2024-04-15. Review status: criteria provided, single submitter. Criteria: Invitae Variant Classification Sherloc (09022015). Collection method: clinical testing. Allele origin: germline.
Comment: This sequence change replaces arginine, which is basic and polar, with glutamine, which is neutral and polar, at codon 1804 of the MYH14 protein (p.Arg1804Gln). This variant is present in population databases (rs201040702, gnomAD 0.007%). This variant has not been reported in the literature in individuals affected with MYH14-related conditions. ClinVar contains an entry for this variant (Variation ID: 892935). Advanced modeling of protein sequence and biophysical properties (such as structural, functional, and spatial information, amino acid conservation, physicochemical variation, residue mobility, and thermodynamic stability) performed at Invitae indicates that this missense variant is not expected to disrupt MYH14 protein function with a negative predictive value of 80%. In summary, the available evidence is currently insufficient to determine the role of this variant in disease. Therefore, it has been classified as a Variant of Uncertain Significance.

Women's Health and Genetics/Laboratory Corporation of America, LabCorp
Classification: Uncertain significance. Last evaluated: 2023-12-01. Review status: criteria provided, single submitter. Criteria: LabCorp Variant Classification Summary - May 2015. Collection method: clinical testing. Allele origin: germline.
Comment: Variant summary: MYH14 c.5411G>A (p.Arg1804Gln) results in a conservative amino acid change located in the Myosin tail domain (IPR002928) of the encoded protein sequence. Four of five in-silico tools predict a damaging effect of the variant on protein function. The variant allele was found at a frequency of 1.6e-05 in 248906 control chromosomes (gnomAD). The available data on variant occurrences in the general population are insufficient to allow any conclusion about variant significance. To our knowledge, no occurrence of c.5411G>A in individuals affected with Deafness, Autosomal Dominant 4 and no experimental evidence demonstrating its impact on protein function have been reported. Three submitters have cited clinical-significance assessments for this variant to ClinVar after 2014. All submitters classified the variant as uncertain significance. Based on the evidence outlined above, the variant was classified as uncertain significance.

Mayo Clinic Laboratories, Mayo Clinic
Classification: Uncertain significance. Last evaluated: 2023-10-04. Review status: criteria provided, single submitter. Criteria: ACMG Guidelines, 2015. Collection method: clinical testing. Allele origin: germline. Observed: 1 variant allele.
Comment: BS2

Ambry Genetics
Classification: Uncertain significance for Inborn genetic diseases. Last evaluated: 2021-09-15. Review status: criteria provided, single submitter. Criteria: Ambry Variant Classification Scheme 2023. Collection method: clinical testing. Allele origin: germline.

Illumina Laboratory Services, Illumina
Classification: Uncertain significance for Autosomal dominant nonsyndromic hearing loss 4A. Last evaluated: 2018-01-15. Review status: criteria provided, single submitter. Criteria: ICSL Variant Classification Criteria 13 December 2019. Collection method: clinical testing. Allele origin: germline.